The following is an entry in ClinVar:

ClinVar aggregate classification (germline): Uncertain significance (1 of 4 stars; one submission).

Conditions:
Inborn genetic diseases. Identifiers: MedGen C0950123, MeSH D030342.

gnomAD v4.1: 1 of 1,609,290 alleles (0.000062%); highest among the groups gnomAD compares: Non-Finnish European, 0.000085%; no homozygotes.

Submission:

Ambry Genetics
Classification: Uncertain significance for Inborn genetic diseases. Last evaluated: 2025-11-02. Review status: criteria provided, single submitter. Criteria: Ambry Variant Classification Scheme 2023. Collection method: clinical testing. Allele origin: germline.
Comment: The p.M836K variant (also known as c.2507T>A), located in coding exon 1 of the SAMD9 gene, results from a T to A substitution at nucleotide position 2507. The methionine at codon 836 is replaced by lysine, an amino acid with similar properties. This amino acid position is conserved. In addition, this alteration is predicted to be tolerated by in silico analysis. Based on the available evidence, the clinical significance of this variant remains unclear.

NM_017654.4(SAMD9):c.2507T>A (p.Met836Lys)

Gene: SAMD9 (sterile alpha motif domain containing 9; minus strand). Cytogenetic location: 7q21.2.
Variant type: single nucleotide variant.
Coding change: c.2507T>A on transcript NM_017654.4 (MANE Select); coding-DNA position 2507, T replaced by A.
Protein change: p.Met836Lys; replaces methionine 836 with lysine.
Molecular consequence: missense variant.
Genome position (GRCh38, 1-based): chr7:93,103,591, A>T on the plus strand (T>A on the coding strand, the complement: SAMD9 is on the minus strand). VCF-style: chr7-93103591-A-T. GRCh37 (hg19) VCF-style: chr7-92732904-A-T.
Other names: c.2507T>A, p.Met836Lys (NM_001193307.2); short protein forms M836K.
Identifiers: ClinVar variation 4629913 (VCV004629913.1).